The following is an entry in ClinVar:

NM_017654.4(SAMD9):c.2840A>C (p.Lys947Thr)

Gene: SAMD9 (sterile alpha motif domain containing 9; minus strand). Cytogenetic location: 7q21.2.
Variant type: single nucleotide variant.
Coding change: c.2840A>C on transcript NM_017654.4 (MANE Select); coding-DNA position 2840, A replaced by C.
Protein change: p.Lys947Thr; replaces lysine 947 with threonine.
Molecular consequence: missense variant.
Genome position (GRCh38, 1-based): chr7:93,103,258, T>G on the plus strand (A>C on the coding strand, the complement: SAMD9 is on the minus strand). VCF-style: chr7-93103258-T-G. GRCh37 (hg19) VCF-style: chr7-92732571-T-G.
Other names: c.2840A>C, p.Lys947Thr (NM_001193307.2); short protein forms K947T.
Identifiers: ClinVar variation 3437090 (VCV003437090.1).

ClinVar aggregate classification (germline): Uncertain significance (1 of 4 stars; one submission).

Conditions:
Inborn genetic diseases. Identifiers: MedGen C0950123, MeSH D030342.

Submission:

Ambry Genetics
Classification: Uncertain significance for Inborn genetic diseases. Last evaluated: 2024-12-07. Review status: criteria provided, single submitter. Criteria: Ambry Variant Classification Scheme 2023. Collection method: clinical testing. Allele origin: germline.
Comment: The p.K947T variant (also known as c.2840A>C), located in coding exon 1 of the SAMD9 gene, results from an A to C substitution at nucleotide position 2840. The lysine at codon 947 is replaced by threonine, an amino acid with similar properties. This amino acid position is conserved. In addition, this alteration is predicted to be tolerated by in silico analysis. Based on the available evidence, the clinical significance of this variant remains unclear.